The following is an entry in ClinVar:

NM_015346.4(ZFYVE26):c.4355G>T (p.Ser1452Ile)

Gene: ZFYVE26 (zinc finger FYVE-type containing 26; minus strand). Cytogenetic location: 14q24.1.
Variant type: single nucleotide variant.
Coding change: c.4355G>T on transcript NM_015346.4 (MANE Select); coding-DNA position 4355, G replaced by T.
Protein change: p.Ser1452Ile; replaces serine 1452 with isoleucine.
Molecular consequence: missense variant.
Genome position (GRCh38, 1-based): chr14:67,782,797, C>A on the plus strand (G>T on the coding strand, the complement: ZFYVE26 is on the minus strand). VCF-style: chr14-67782797-C-A. GRCh37 (hg19) VCF-style: chr14-68249514-C-A.
Other names: c.4355G>T (NM_015346.3); short protein forms S1452I.
Identifiers: ClinVar variation 2160946 (VCV002160946.5), dbSNP rs775086188, ClinGen allele CA7239791.

ClinVar aggregate classification (germline): Uncertain significance. Review status: criteria provided, multiple submitters, no conflicts (2 of 4 stars). 2 submissions from 2 submitters: Uncertain significance (2). Last evaluated 2025-01-27.

Conditions:
Spastic paraplegia. Identifiers: MedGen C0037772, HP:0001258.
Inborn genetic diseases. Identifiers: MedGen C0950123, MeSH D030342.

Allele frequency attached by ClinVar (database versions not stated): TOPMed below 0.00001; gnomAD exomes 0.00002; ExAC 0.00003.
gnomAD v4.1: 25 of 1,614,234 alleles (0.0015%); highest among the groups gnomAD compares: South Asian, 0.026%; no homozygotes.

Submissions (2):

Labcorp Genetics (formerly Invitae), Labcorp
Classification: Uncertain significance for Spastic paraplegia. Last evaluated: 2025-01-27. Review status: criteria provided, single submitter. Criteria: Invitae Variant Classification Sherloc (09022015). Collection method: clinical testing. Allele origin: germline.
Comment: This sequence change replaces serine, which is neutral and polar, with isoleucine, which is neutral and non-polar, at codon 1452 of the ZFYVE26 protein (p.Ser1452Ile). This variant is present in population databases (rs775086188, gnomAD 0.02%). This variant has not been reported in the literature in individuals affected with ZFYVE26-related conditions. ClinVar contains an entry for this variant (Variation ID: 2160946). An algorithm developed to predict the effect of missense changes on protein structure and function (PolyPhen-2) suggests that this variant is likely to be tolerated. In summary, the available evidence is currently insufficient to determine the role of this variant in disease. Therefore, it has been classified as a Variant of Uncertain Significance.

Ambry Genetics
Classification: Uncertain significance for Inborn genetic diseases. Last evaluated: 2023-06-16. Review status: criteria provided, single submitter. Criteria: Ambry Variant Classification Scheme 2023. Collection method: clinical testing. Allele origin: germline.